The following is an entry in ClinVar:

ClinVar aggregate classification (germline): Uncertain significance (1 of 4 stars; one submission).

gnomAD v4.1: 36 of 1,613,664 alleles (0.0022%); highest among the groups gnomAD compares: Non-Finnish European, 0.0031%; no homozygotes.

Submission:

Labcorp Genetics (formerly Invitae), Labcorp
Classification: Uncertain significance. Last evaluated: 2024-07-11. Review status: criteria provided, single submitter. Criteria: Invitae Variant Classification Sherloc (09022015). Collection method: clinical testing. Allele origin: germline.
Comment: This sequence change replaces serine, which is neutral and polar, with threonine, which is neutral and polar, at codon 514 of the MYO3A protein (p.Ser514Thr). This variant is present in population databases (rs754872237, gnomAD 0.0009%). This variant has not been reported in the literature in individuals affected with MYO3A-related conditions. Advanced modeling of protein sequence and biophysical properties (such as structural, functional, and spatial information, amino acid conservation, physicochemical variation, residue mobility, and thermodynamic stability) performed at Invitae indicates that this missense variant is not expected to disrupt MYO3A protein function with a negative predictive value of 80%. In summary, the available evidence is currently insufficient to determine the role of this variant in disease. Therefore, it has been classified as a Variant of Uncertain Significance.

NM_017433.5(MYO3A):c.1540T>A (p.Ser514Thr)

Gene: MYO3A (myosin IIIA; plus strand). Cytogenetic location: 10p12.1.
Variant type: single nucleotide variant.
Coding change: c.1540T>A on transcript NM_017433.5 (MANE Select); coding-DNA position 1540, T replaced by A.
Protein change: p.Ser514Thr; replaces serine 514 with threonine.
Molecular consequence: missense variant.
Genome position (GRCh38, 1-based): chr10:26,088,383, T>A. VCF-style: chr10-26088383-T-A. GRCh37 (hg19) VCF-style: chr10-26377312-T-A.
Other names: short protein forms S514T.
Identifiers: ClinVar variation 3693764 (VCV003693764.2).
Genomic context (GRCh38, chr10:26,088,383, plus strand): 5'-AAATTCACCTCTTCTGGAGCGGTAGTGGGAGCACAGATTTCTGAATATCTCCTGGAAAAA[T>A]CCCGAGTTATCCACCAAGCTATGTAAGTTTATTTCAAATCTCTCCTATTTTGGAGGAAGC-3'
Protein context (NP_059129.3, residues 504-524): AQISEYLLEK[Ser514Thr]RVIHQAIGEK